The following is an entry in ClinVar:

NM_133497.4(KCNV2):c.1228C>A (p.Gln410Lys)

Gene: KCNV2 (potassium voltage-gated channel modifier subfamily V member 2; plus strand). Cytogenetic location: 9p24.2.
Variant type: single nucleotide variant.
Coding change: c.1228C>A on transcript NM_133497.4 (MANE Select); coding-DNA position 1228, C replaced by A.
Protein change: p.Gln410Lys; replaces glutamine 410 with lysine.
Molecular consequence: missense variant.
Genome position (GRCh38, 1-based): chr9:2,718,967, C>A. VCF-style: chr9-2718967-C-A. GRCh37 (hg19) VCF-style: chr9-2718967-C-A.
Other names: short protein forms Q410K.
Identifiers: ClinVar variation 1966039 (VCV001966039.4), dbSNP rs1448564402, ClinGen allele CA372802530.
Genomic context (GRCh38, chr9:2,718,967, plus strand): 5'-CTGGCGCGCCACTCCACCGGACTGCGTGCCTTCGGCTTCACGCTGCGCCAGTGCTACCAG[C>A]AGGTGGGCTGCCTGCTGCTCTTCATCGCCATGGGCATCTTCACTTTCTCTGCGGCTGTCT-3'
Protein context (NP_598004.1, residues 400-420): FGFTLRQCYQ[Gln410Lys]VGCLLLFIAM

ClinVar aggregate classification (germline): Uncertain significance (1 of 4 stars; one submission).

Allele frequency attached by ClinVar (database versions not stated): gnomAD 0.00001.
gnomAD v4.1: 4 of 1,611,036 alleles (0.00025%); highest among the groups gnomAD compares: Non-Finnish European, 0.00034%; no homozygotes.

Submission:

Labcorp Genetics (formerly Invitae), Labcorp
Classification: Uncertain significance. Last evaluated: 2022-01-31. Review status: criteria provided, single submitter. Criteria: Invitae Variant Classification Sherloc (09022015). Collection method: clinical testing. Allele origin: germline.
Comment: In summary, the available evidence is currently insufficient to determine the role of this variant in disease. Therefore, it has been classified as a Variant of Uncertain Significance. This sequence change replaces glutamine, which is neutral and polar, with lysine, which is basic and polar, at codon 410 of the KCNV2 protein (p.Gln410Lys). This variant is present in population databases (no rsID available, gnomAD 0.0009%). This variant has not been reported in the literature in individuals affected with KCNV2-related conditions. Algorithms developed to predict the effect of missense changes on protein structure and function (SIFT, PolyPhen-2, Align-GVGD) all suggest that this variant is likely to be disruptive.